The following is an entry in ClinVar:

NM_020911.2(PLXNA4):c.486T>G (p.Gly162=)

Gene: PLXNA4 (plexin A4; minus strand). Cytogenetic location: 7q32.3.
Variant type: single nucleotide variant.
Coding change: c.486T>G on transcript NM_020911.2 (MANE Select); coding-DNA position 486, T replaced by G.
Protein change: p.Gly162=; no amino-acid change (glycine 162 retained).
Molecular consequence: synonymous variant.
Genome position (GRCh38, 1-based): chr7:132,508,208, A>C on the plus strand (T>G on the coding strand, the complement: PLXNA4 is on the minus strand). VCF-style: chr7-132508208-A-C. GRCh37 (hg19) VCF-style: chr7-132192967-A-C.
Other names: c.486T>G, p.Gly162= (NM_001105543.2, NM_001393897.1, NM_181775.4).
Identifiers: ClinVar variation 3354268 (VCV003354268.1).
Genomic context (GRCh38, chr7:132,508,208, plus strand): 5'-CTTGTCATCCAGGTTGCTGTAGGAGACGATCACTCCAAAGACTGAGCCGCTCTCGTTGAC[A>C]CCTGACAGATAGTGCTCCTTCTTATGATAAGGCTCCCCCAGCTTGAAGAGGTCCTCCAGC-3'
Protein context (NP_065962.1, residues 152-172): PYHKKEHYLS[Gly162=]VNESGSVFGV

ClinVar aggregate classification (germline): Likely benign (0 of 4 stars; one submission).

Conditions:
PLXNA4-related disorder. Also called: PLXNA4-related condition.

gnomAD v4.1: 69 of 1,614,010 alleles (0.0043%); highest among the groups gnomAD compares: Non-Finnish European, 0.0057%; no homozygotes.

Submission:

PreventionGenetics, part of Exact Sciences
Classification: Likely benign for PLXNA4-related condition. Last evaluated: 2022-05-19. Review status: no assertion criteria provided. Collection method: clinical testing. Allele origin: germline.
Comment: This variant is classified as likely benign based on ACMG/AMP sequence variant interpretation guidelines (Richards et al. 2015 PMID: 25741868, with internal and published modifications).